The following is an entry in ClinVar:

ClinVar aggregate classification (germline): Uncertain significance (1 of 4 stars; one submission).

Conditions:
Spastic paraplegia. Identifiers: MedGen C0037772, HP:0001258.

Allele frequency attached by ClinVar (database versions not stated): gnomAD exomes below 0.00001; TOPMed below 0.00001.
gnomAD v4.1: 2 of 1,614,032 alleles (0.00012%); highest among the groups gnomAD compares: Admixed American, 0.0017%; no homozygotes.

Submission:

Labcorp Genetics (formerly Invitae), Labcorp
Classification: Uncertain significance for Spastic paraplegia. Last evaluated: 2022-10-05. Review status: criteria provided, single submitter. Criteria: Invitae Variant Classification Sherloc (09022015). Collection method: clinical testing. Allele origin: germline.
Comment: This sequence change replaces glutamine, which is neutral and polar, with proline, which is neutral and non-polar, at codon 1866 of the ZFYVE26 protein (p.Gln1866Pro). This variant is present in population databases (no rsID available, gnomAD 0.003%). This variant has not been reported in the literature in individuals affected with ZFYVE26-related conditions. Algorithms developed to predict the effect of missense changes on protein structure and function are either unavailable or do not agree on the potential impact of this missense change (SIFT: "Tolerated"; PolyPhen-2: "Probably Damaging"; Align-GVGD: "Class C0"). In summary, the available evidence is currently insufficient to determine the role of this variant in disease. Therefore, it has been classified as a Variant of Uncertain Significance.

NM_015346.4(ZFYVE26):c.5597A>C (p.Gln1866Pro)

Gene: ZFYVE26 (zinc finger FYVE-type containing 26; minus strand). Cytogenetic location: 14q24.1.
Variant type: single nucleotide variant.
Coding change: c.5597A>C on transcript NM_015346.4 (MANE Select); coding-DNA position 5597, A replaced by C.
Protein change: p.Gln1866Pro; replaces glutamine 1866 with proline.
Molecular consequence: missense variant.
Genome position (GRCh38, 1-based): chr14:67,769,618, T>G on the plus strand (A>C on the coding strand, the complement: ZFYVE26 is on the minus strand). VCF-style: chr14-67769618-T-G. GRCh37 (hg19) VCF-style: chr14-68236335-T-G.
Other names: short protein forms Q1866P.
Identifiers: ClinVar variation 1983401 (VCV001983401.4), dbSNP rs1400047590, ClinGen allele CA390166954.
Genomic context (GRCh38, chr14:67,769,618, plus strand): 5'-TCAATAATAGCAACAGCCCTGCTGTAGGACACTCACTCTTTGTTGCAGTAACTATAGCAC[T>G]GATCACACACACGAGCAGGGTTCTCTCTGCAGCCTTCAACCACCATTTTCTTAGTGGAGC-3'
Protein context (NP_056161.2, residues 1856-1876): CRENPARVCD[Gln1866Pro]CYSYCNKDVP